The following is an entry in ClinVar:

NM_012330.4(KAT6B):c.3428del (p.Ser1143fs)

Gene: KAT6B (lysine acetyltransferase 6B; plus strand). Cytogenetic location: 10q22.2.
Variant type: Deletion.
Coding change: c.3428del on transcript NM_012330.4 (MANE Select); coding-DNA position 3428, one base deleted (G; older notation c.3428delG).
Protein change: p.Ser1143fs; shifts the reading frame from serine 1143.
Molecular consequence: frameshift variant.
Genome position (GRCh38, 1-based): chr10:75,025,013, G deleted. VCF-style (leftmost placement, unchanged base first): chr10-75025012-AG-A. GRCh37 (hg19) VCF-style: chr10-76784770-AG-A.
Other names: c.2879del, p.Ser960fs (NM_001256468.2, NM_001370138.1); c.2552del, p.Ser851fs (NM_001256469.2, NM_001370139.1, NM_001370140.1 and 2 more transcripts); c.2390del, p.Ser797fs (NM_001370132.1); c.1739del, p.Ser580fs (NM_001370133.1); c.1343del, p.Ser448fs (NM_001370134.1); c.1085del, p.Ser362fs (NM_001370135.1); c.3428del, p.Ser1143fs (NM_001370136.1, NM_001370137.1); c.2363del, p.Ser788fs (NM_001370143.1, NM_001370144.1); short protein forms S448fs, S851fs, S960fs, S1143fs, S362fs, S580fs, S797fs, S788fs.
Identifiers: ClinVar variation 1033226 (VCV001033226.1), dbSNP rs1845712748, ClinGen allele CA1920303939.

ClinVar aggregate classification (germline): Pathogenic (1 of 4 stars; one submission).

Conditions:
Genitopatellar syndrome (GTPTS). Also called: Genitopatellar syndrome (GPS); ABSENT PATELLAE, SCROTAL HYPOPLASIA, RENAL ANOMALIES, FACIAL DYSMORPHISM, AND MENTAL RETARDATION. Identifiers: Orphanet 85201, MedGen C1853566, MONDO:0011640, OMIM 606170.

Submission:

Baylor Genetics
Classification: Pathogenic for Genitopatellar syndrome. Last evaluated: 2018-03-27. Review status: criteria provided, single submitter. Criteria: ACMG Guidelines, 2015. Collection method: clinical testing. Allele origin: de novo. Affected: yes.
Comment: This variant was determined to be pathogenic according to ACMG Guidelines, 2015 [PMID:25741868].